The following is an entry in ClinVar:

NM_205850.3(SLC24A5):c.503C>T (p.Ser168Leu)

Genes: MYEF2 (myelin expression factor 2; minus strand), SLC24A5 (solute carrier family 24 member 5; plus strand). Cytogenetic location: 15q21.1.
Variant type: single nucleotide variant.
Coding change: c.503C>T on transcript NM_205850.3 (MANE Select); coding-DNA position 503, C replaced by T.
Protein change: p.Ser168Leu; replaces serine 168 with leucine.
Molecular consequence: missense variant. On other transcripts: 3 prime UTR variant (2).
Genome position (GRCh38, 1-based): chr15:48,134,897, C>T. VCF-style: chr15-48134897-C-T. GRCh37 (hg19) VCF-style: chr15-48427094-C-T.
Other names: c.*8011G>A (NM_001301210.2, NM_016132.5); short protein forms S168L.
Identifiers: ClinVar variation 1393352 (VCV001393352.4), dbSNP rs977118193, ClinGen allele CA269989507.
Genomic context (GRCh38, chr15:48,134,897, plus strand): 5'-TTGAAGAAGTTACAATGTAATGGAAATAATAACTTACCATATTACAGGTCTCAACACTAT[C>T]ATGTTGGCCCCTATTCAGAGACTGTGCAGCGTACACAATTAGTGCAGCAGCAGTTCTTGG-3'
Protein context (NP_995322.1, residues 158-178): GLLSNTVSTL[Ser168Leu]CWPLFRDCAA

ClinVar aggregate classification (germline): Uncertain significance (1 of 4 stars; one submission).

Allele frequency attached by ClinVar (database versions not stated): gnomAD exomes below 0.00001; gnomAD 0.00001 and 0.00002; TOPMed 0.00002.

Submission:

Labcorp Genetics (formerly Invitae), Labcorp
Classification: Uncertain significance. Last evaluated: 2022-10-24. Review status: criteria provided, single submitter. Criteria: Invitae Variant Classification Sherloc (09022015). Collection method: clinical testing. Allele origin: germline.
Comment: This sequence change replaces serine, which is neutral and polar, with leucine, which is neutral and non-polar, at codon 168 of the SLC24A5 protein (p.Ser168Leu). This variant is not present in population databases (gnomAD no frequency). This variant has not been reported in the literature in individuals affected with SLC24A5-related conditions. ClinVar contains an entry for this variant (Variation ID: 1393352). Advanced modeling of protein sequence and biophysical properties (such as structural, functional, and spatial information, amino acid conservation, physicochemical variation, residue mobility, and thermodynamic stability) performed at Invitae indicates that this missense variant is not expected to disrupt SLC24A5 protein function. In summary, the available evidence is currently insufficient to determine the role of this variant in disease. Therefore, it has been classified as a Variant of Uncertain Significance.